The following is an entry in ClinVar:

NM_001005373.4(LRSAM1):c.458G>A (p.Arg153His)

Gene: LRSAM1 (leucine rich repeat and sterile alpha motif containing 1; plus strand). Cytogenetic location: 9q33.3.
Variant type: single nucleotide variant.
Coding change: c.458G>A on transcript NM_001005373.4 (MANE Select); coding-DNA position 458, G replaced by A.
Protein change: p.Arg153His; replaces arginine 153 with histidine.
Molecular consequence: missense variant. On other transcripts: 5 prime UTR variant (1), non-coding transcript variant (2).
Genome position (GRCh38, 1-based): chr9:127,462,303, G>A. VCF-style: chr9-127462303-G-A. GRCh37 (hg19) VCF-style: chr9-130224582-G-A.
Other names: c.458G>A, p.Arg153His (NM_001005374.4, NM_001190723.3, NM_001384142.1 and 2 more transcripts); c.-327G>A (NM_001384144.1); short protein forms R153H.
Identifiers: ClinVar variation 365012 (VCV000365012.15), dbSNP rs368689811, ClinGen allele CA5246557.
Genomic context (GRCh38, chr9:127,462,303, plus strand): 5'-TCTCTGCAGACAACAAGCTGAAGGAGCTTCCAGACACCGTGGGGGAGCTTCGAAGCCTGC[G>A]TACCCTCAACATCAGTGGAAACGAGATCCAGAGATTGCCGCAGATGCTGGCTCACGTTCG-3'
Protein context (NP_001005373.1, residues 143-163): PDTVGELRSL[Arg153His]TLNISGNEIQ

ClinVar aggregate classification (germline): Conflicting classifications of pathogenicity. Review status: criteria provided, conflicting classifications (1 of 4 stars). 2 submissions from 2 submitters: Uncertain significance (1); Likely benign (1). Last evaluated 2026-02-02.

Conditions:
Charcot-Marie-Tooth disease axonal type 2P. Also called: CHARCOT-MARIE-TOOTH NEUROPATHY, TYPE 2P; Charcot-Marie-Tooth Neuropathy Type 2G; CHARCOT-MARIE-TOOTH DISEASE, AXONAL, TYPE 2G; CMT 2G. Identifiers: Orphanet 300319, Orphanet 99941, MedGen C3280797, MONDO:0013753, OMIM 614436.

Allele frequency attached by ClinVar (database versions not stated): ExAC 0.00001; gnomAD exomes 0.00001; gnomAD 0.00005 and 0.00006; ESP Exome Variant Server 0.00008; TOPMed 0.00008; 1000 Genomes Project 30x 0.00031; 1000 Genomes Project 0.00040.
gnomAD v4.1: 19 of 1,614,040 alleles (0.0012%); highest among the groups gnomAD compares: African/African-American, 0.017%; no homozygotes.

Submissions (2):

Labcorp Genetics (formerly Invitae), Labcorp
Classification: Uncertain significance for Charcot-Marie-Tooth disease axonal type 2P. Last evaluated: 2026-02-02. Review status: criteria provided, single submitter. Criteria: Invitae Variant Classification Sherloc (09022015). Collection method: clinical testing. Allele origin: germline.
Comment: This sequence change replaces arginine, which is basic and polar, with histidine, which is basic and polar, at codon 153 of the LRSAM1 protein (p.Arg153His). This variant is present in population databases (rs368689811, gnomAD 0.02%). This variant has not been reported in the literature in individuals affected with LRSAM1-related conditions. ClinVar contains an entry for this variant (Variation ID: 365012). Invitae Evidence Modeling of protein sequence and biophysical properties (such as structural, functional, and spatial information, amino acid conservation, physicochemical variation, residue mobility, and thermodynamic stability) indicates that this missense variant is expected to disrupt LRSAM1 protein function with a positive predictive value of 80%. In summary, the available evidence is currently insufficient to determine the role of this variant in disease. Therefore, it has been classified as a Variant of Uncertain Significance.

Illumina Laboratory Services, Illumina
Classification: Likely benign for Charcot-Marie-Tooth disease axonal type 2P. Last evaluated: 2018-01-13. Review status: criteria provided, single submitter. Criteria: ICSL Variant Classification Criteria 13 December 2019. Collection method: clinical testing. Allele origin: germline.
Comment: This variant was observed in the ICSL laboratory as part of a predisposition screen in an ostensibly healthy population. It had not been previously curated by ICSL or reported in the Human Gene Mutation Database (HGMD: prior to June 1st, 2018), and was therefore a candidate for classification through an automated scoring system. Utilizing variant allele frequency, disease prevalence and penetrance estimates, and inheritance mode, an automated score was calculated to assess if this variant is too frequent to cause the disease. Based on the score and internal cut-off values, a variant classified as likely benign is not then subjected to further curation. The score for this variant resulted in a classification of likely benign for this disease.